The following is an entry in ClinVar:

ClinVar aggregate classification (germline): Uncertain significance (1 of 4 stars; one submission).

Conditions:
Brachyolmia-amelogenesis imperfecta syndrome. Also called: Dental anomalies and short stature; PLATYSPONDYLY WITH AMELOGENESIS IMPERFECTA; Tooth agenesis, selective, 6. Identifiers: Orphanet 2899, MedGen C1832594, MONDO:0011018, OMIM 601216. Disease mechanism: loss of function.

gnomAD v4.1: 1 of 1,526,812 alleles (0.000065%); no homozygotes.

Submission:

Labcorp Genetics (formerly Invitae), Labcorp
Classification: Uncertain significance for Brachyolmia-amelogenesis imperfecta syndrome. Last evaluated: 2023-08-10. Review status: criteria provided, single submitter. Criteria: Invitae Variant Classification Sherloc (09022015). Collection method: clinical testing. Allele origin: germline.
Comment: In summary, the available evidence is currently insufficient to determine the role of this variant in disease. Therefore, it has been classified as a Variant of Uncertain Significance. An algorithm developed to predict the effect of missense changes on protein structure and function (PolyPhen-2) suggests that this variant is likely to be disruptive. This variant has not been reported in the literature in individuals affected with LTBP3-related conditions. This variant is not present in population databases (gnomAD no frequency). This sequence change replaces isoleucine, which is neutral and non-polar, with threonine, which is neutral and polar, at codon 1255 of the LTBP3 protein (p.Ile1255Thr).

NM_001130144.3(LTBP3):c.3764T>C (p.Ile1255Thr)

Gene: LTBP3 (latent transforming growth factor beta binding protein 3; minus strand). Cytogenetic location: 11q13.1.
Variant type: single nucleotide variant.
Coding change: c.3764T>C on transcript NM_001130144.3 (MANE Select); coding-DNA position 3764, T replaced by C.
Protein change: p.Ile1255Thr; replaces isoleucine 1255 with threonine.
Molecular consequence: missense variant.
Genome position (GRCh38, 1-based): chr11:65,539,228, A>G on the plus strand (T>C on the coding strand, the complement: LTBP3 is on the minus strand). VCF-style: chr11-65539228-A-G. GRCh37 (hg19) VCF-style: chr11-65306699-A-G.
Other names: c.3272T>C, p.Ile1091Thr (NM_001164266.1); c.3623T>C, p.Ile1208Thr (NM_021070.4); short protein forms I1091T, I1255T, I1208T.
Identifiers: ClinVar variation 2751757 (VCV002751757.3), dbSNP rs2496110672, ClinGen allele CA381266078.